The following is an entry in ClinVar:

NM_001369.3(DNAH5):c.4842C>G (p.Tyr1614Ter)

Genes: DNAH5 (dynein axonemal heavy chain 5; minus strand), LOC126807318 (MED14-independent group 3 enhancer GRCh37_chr5:13858976-13860175; plus strand). Cytogenetic location: 5p15.2.
Variant type: single nucleotide variant.
Coding change: c.4842C>G on transcript NM_001369.3 (MANE Select); coding-DNA position 4842, C replaced by G.
Protein change: p.Tyr1614Ter; replaces tyrosine 1614 with a stop codon.
Molecular consequence: nonsense.
Genome position (GRCh38, 1-based): chr5:13,859,560, G>C on the plus strand (C>G on the coding strand, the complement: DNAH5 is on the minus strand). VCF-style: chr5-13859560-G-C. GRCh37 (hg19) VCF-style: chr5-13859669-G-C.
Other names: short protein forms Y1614*.
Identifiers: ClinVar variation 5013352 (VCV005013352.1).

ClinVar aggregate classification (germline): Pathogenic (1 of 4 stars; one submission).

Conditions:
Primary ciliary dyskinesia 3. Identifiers: Orphanet 244, MedGen C1837618, MONDO:0012085, OMIM 608644.

Submission:

Myriad Genetics, Inc.
Classification: Pathogenic for Primary ciliary dyskinesia 3. Last evaluated: 2024-07-23. Review status: criteria provided, single submitter. Criteria: Myriad Autosomal Dominant, Autosomal Recessive and X-Linked Classification Criteria (2023). Collection method: clinical testing. Allele origin: unknown.
Comment: NM_001369.2(DNAH5):c.4842C>G(Y1614*) is expected to be pathogenic in the context of primary ciliary dyskinesia, DNAH5-related. This variant is predicted to lead to an abnormal or absent protein product due to the creation of a premature termination codon in DNAH5, a gene where loss-of-function variants are known to be pathogenic. Please note: this variant was assessed in the context of healthy population screening.